The following is an entry in ClinVar:

ClinVar aggregate classification (germline): Uncertain significance. Review status: criteria provided, multiple submitters, no conflicts (2 of 4 stars). 3 submissions from 3 submitters: Uncertain significance (3). Last evaluated 2025-12-11.

Conditions:
Nephronophthisis. Also called: Juvenile Nephronophthisis. Identifiers: Orphanet 655, MedGen C0687120, MONDO:0019005, HP:0000090.
Jeune thoracic dystrophy. Also called: Infantile thoracic dystrophy; Thoracic pelvic phalangeal dystrophy; Jeune's syndrome; Chondroectodermal dysplasia-like syndrome; Jeune syndrome; Short-rib thoracic dysplasia. Identifiers: Orphanet 474, MedGen C0265275, MONDO:0018770.
Inborn genetic diseases. Identifiers: MedGen C0950123, MeSH D030342.

Allele frequency attached by ClinVar (database versions not stated): ExAC 0.00001; gnomAD 0.00001; gnomAD exomes 0.00001; ESP Exome Variant Server 0.00008.
gnomAD v4.1: 8 of 1,613,626 alleles (0.0005%); highest among the groups gnomAD compares: Non-Finnish European, 0.00068%; no homozygotes.

Submissions (3):

Ambry Genetics
Classification: Uncertain significance for Inborn genetic diseases. Last evaluated: 2025-12-11. Review status: criteria provided, single submitter. Criteria: Ambry Variant Classification Scheme 2023. Collection method: clinical testing. Allele origin: germline.

Blueprint Genetics
Classification: Uncertain significance. Last evaluated: 2024-06-04. Review status: criteria provided, single submitter. Criteria: ACMG Guidelines, 2015. Collection method: clinical testing. Allele origin: germline.

Labcorp Genetics (formerly Invitae), Labcorp
Classification: Uncertain significance for Jeune thoracic dystrophy; Nephronophthisis. Last evaluated: 2022-08-09. Review status: criteria provided, single submitter. Criteria: Invitae Variant Classification Sherloc (09022015). Collection method: clinical testing. Allele origin: germline.
Comment: This sequence change replaces leucine, which is neutral and non-polar, with phenylalanine, which is neutral and non-polar, at codon 57 of the TTC21B protein (p.Leu57Phe). This variant is present in population databases (rs139392369, gnomAD 0.002%). This variant has not been reported in the literature in individuals affected with TTC21B-related conditions. ClinVar contains an entry for this variant (Variation ID: 1382214). Algorithms developed to predict the effect of missense changes on protein structure and function (SIFT, PolyPhen-2, Align-GVGD) all suggest that this variant is likely to be tolerated. In summary, the available evidence is currently insufficient to determine the role of this variant in disease. Therefore, it has been classified as a Variant of Uncertain Significance.

NM_024753.5(TTC21B):c.169C>T (p.Leu57Phe)

Gene: TTC21B (tetratricopeptide repeat domain 21B; minus strand). Cytogenetic location: 2q24.3.
Variant type: single nucleotide variant.
Coding change: c.169C>T on transcript NM_024753.5 (MANE Select); coding-DNA position 169, C replaced by T.
Protein change: p.Leu57Phe; replaces leucine 57 with phenylalanine.
Molecular consequence: missense variant.
Genome position (GRCh38, 1-based): chr2:165,949,487, G>A on the plus strand (C>T on the coding strand, the complement: TTC21B is on the minus strand). VCF-style: chr2-165949487-G-A. GRCh37 (hg19) VCF-style: chr2-166805997-G-A.
Other names: c.169C>T (NM_024753.3); short protein forms L57F.
Identifiers: ClinVar variation 1382214 (VCV001382214.7), dbSNP rs139392369, ClinGen allele CA1942529.